The following is an entry in ClinVar:

ClinVar aggregate classification (germline): Likely pathogenic (1 of 4 stars; one submission).

Submission:

Quest Diagnostics Nichols Institute San Juan Capistrano
Classification: Likely pathogenic. Last evaluated: 2024-03-20. Review status: criteria provided, single submitter. Criteria: ACMG/ClinGen CNV Guidelines, 2019. Collection method: clinical testing. Allele origin: unknown.
Comment: This deletion represents the recurrent distal 7q11.23 deletion region (ISCA-46291), which has been associated with chromosome 7q11.23 deletion syndrome (OMIM 613729; Birca 2022, Edelmann 2007, Ramocki 2010). A case-control study of children with developmental phenotypes did not show significant enrichment of this recurrent deletion in the clinical population (Coe 2014). There are no similar copy number losses of this region in the general populations of the Database of Genomic Variants. Thus, this copy number variant (CNV) is classified as likely pathogenic. References: Birca et al., Child Neurol Open. 2022 Apr 21;9:2329048X221093173. PMID: 35481155; Coe et al., Nat Genet. 2014 Oct;46(10):1063-71. PMID: 25217958; Edelmann et al., J Med Genet. 2007 Feb;44(2):136-43. PMID: 16971481; Ramocki et al., Am J Hum Genet. 2010 Dec 10;87(6):857-65. PMID: 21109226

GRCh37/hg19 7q11.23(chr7:75082354-76007380)x1

Genes: STYXL1 (serine/threonine/tyrosine interacting like 1; minus strand), TMEM120A (transmembrane protein 120A; minus strand), YWHAG (tyrosine 3-monooxygenase/tryptophan 5-monooxygenase activation protein gamma; minus strand), CCL24 (C-C motif chemokine ligand 24; minus strand), CCL26 (C-C motif chemokine ligand 26; minus strand) and 8 more. Cytogenetic location: 7q11.23.
Variant type: copy number loss.
Change: copy number 1 (one copy instead of two) of chr7:75,082,354-76,007,380 (925.0 kb, GRCh37 coordinates, 1-based), cytogenetic band 7q11.23.
Identifiers: ClinVar variation 563386 (VCV000563386.3).